The following is an entry in ClinVar:

ClinVar aggregate classification (germline): Benign/Likely benign. Review status: criteria provided, multiple submitters, no conflicts (2 of 4 stars). 3 submissions from 3 submitters: Benign (1); Likely benign (2). Last evaluated 2024-05-15.

Conditions:
Hereditary cancer-predisposing syndrome. Also called: Tumor predisposition; Hereditary Cancer Syndrome; Neoplastic Syndromes, Hereditary; Hereditary neoplastic syndrome. Identifiers: Orphanet 140162, MedGen C0027672, MeSH D009386, MONDO:0015356.
Familial cancer of breast. Also called: Hereditary breast cancer; hereditary breast carcinoma; BREAST CANCER, FAMILIAL. Identifiers: Orphanet 227535, MedGen C0346153, MONDO:0016419, OMIM 114480. Disease mechanism: loss of function.
Ataxia-telangiectasia syndrome (AT). Also called: Cerebello-oculocutaneous telangiectasia; Immunodeficiency with ataxia telangiectasia; Ataxia-telangiectasia, complementation group D; AT, COMPLEMENTATION GROUP C; Ataxia-telangiectasia, complementation group E; LOUIS-BAR SYNDROME. Identifiers: Orphanet 100, MedGen C0004135, MONDO:0008840, OMIM 208900.

Submissions (3):

Myriad Genetics, Inc.
Classification: Benign for Familial cancer of breast. Last evaluated: 2024-05-15. Review status: criteria provided, single submitter. Criteria: Myriad Autosomal Dominant, Autosomal Recessive and X-Linked Classification Criteria (2023). Collection method: clinical testing. Allele origin: unknown.
Comment: This variant is considered benign. This variant is a silent/synonymous amino acid change and it is not expected to impact splicing.

Labcorp Genetics (formerly Invitae), Labcorp
Classification: Likely benign for Ataxia-telangiectasia syndrome. Last evaluated: 2022-10-18. Review status: criteria provided, single submitter. Criteria: Invitae Variant Classification Sherloc (09022015). Collection method: clinical testing. Allele origin: germline.

Ambry Genetics
Classification: Likely benign for Hereditary cancer-predisposing syndrome. Last evaluated: 2021-10-11. Review status: criteria provided, single submitter. Criteria: Ambry Variant Classification Scheme 2023. Collection method: clinical testing. Allele origin: germline.

NM_000051.4(ATM):c.3909C>T (p.Thr1303=)

Gene: ATM (ATM serine/threonine kinase; plus strand). Cytogenetic location: 11q22.3.
Variant type: single nucleotide variant.
Coding change: c.3909C>T on transcript NM_000051.4 (MANE Select); coding-DNA position 3909, C replaced by T.
Protein change: p.Thr1303=; no amino-acid change (threonine 1303 retained).
Molecular consequence: synonymous variant.
Genome position (GRCh38, 1-based): chr11:108,284,389, C>T. VCF-style: chr11-108284389-C-T. GRCh37 (hg19) VCF-style: chr11-108155116-C-T.
Other names: c.3909C>T, p.Thr1303= (NM_001351834.2).
Identifiers: ClinVar variation 453495 (VCV000453495.14), dbSNP rs1555093618, ClinGen allele CA476745113.